The following is an entry in ClinVar:

ClinVar aggregate classification (germline): Benign. Review status: criteria provided, multiple submitters, no conflicts (2 of 4 stars). 4 submissions from 3 submitters: Benign (4). Last evaluated 2026-09-21.

Conditions:
Leukoencephalopathy, progressive, with ovarian failure (LKENP). Identifiers: Orphanet 99853, MedGen C4014588, MONDO:0014387, OMIM 615889.
Combined oxidative phosphorylation defect type 8. Also called: CARDIOMYOPATHY, HYPERTROPHIC MITOCHONDRIAL, FATAL INFANTILE. Identifiers: Orphanet 319504, MedGen C4518839, MONDO:0013570, OMIM 614096.

Allele frequency attached by ClinVar (database versions not stated): ESP Exome Variant Server 0.68207; 1000 Genomes Project 0.58427; 1000 Genomes Project 30x 0.59088; TOPMed 0.66963.
gnomAD v4.1: 1,183,346 of 1,611,522 alleles (73%); highest among the groups gnomAD compares: Admixed American, 78%; 439,604 homozygotes.

Submissions (4):

Molecular Diagnostic Laboratory for Inherited Cardiovascular Disease, Montreal Heart Institute
Classification: Benign. Last evaluated: 2026-09-21. Review status: criteria provided, single submitter. Criteria: ACMG Guidelines, 2015. Collection method: clinical testing. Allele origin: germline. Affected: no.
Comment: BA1

Genome-Nilou Lab
Classification: Benign for Combined oxidative phosphorylation defect type 8. Last evaluated: 2021-07-14. Review status: criteria provided, single submitter. Criteria: ACMG Guidelines, 2015. Collection method: clinical testing. Allele origin: germline. Affected: no.

Genome-Nilou Lab
Classification: Benign for Leukoencephalopathy, progressive, with ovarian failure. Last evaluated: 2021-07-14. Review status: criteria provided, single submitter. Criteria: ACMG Guidelines, 2015. Collection method: clinical testing. Allele origin: germline. Affected: no.

GeneDx
Classification: Benign. Last evaluated: 2018-06-23. Review status: criteria provided, single submitter. Criteria: GeneDx Variant Classification Process June 2021. Collection method: clinical testing. Allele origin: germline. Affected: yes.

NM_020745.4(AARS2):c.2255+35C>A

Gene: AARS2 (alanyl-tRNA synthetase 2, mitochondrial; minus strand). Cytogenetic location: 6p21.1.
Variant type: single nucleotide variant.
Coding change: c.2255+35C>A on transcript NM_020745.4 (MANE Select); 35 bases into the intron after coding-DNA position 2255, C replaced by A.
Molecular consequence: intron variant.
Genome position (GRCh38, 1-based): chr6:44,303,031, G>T on the plus strand (C>A on the coding strand, the complement: AARS2 is on the minus strand). VCF-style: chr6-44303031-G-T. GRCh37 (hg19) VCF-style: chr6-44270768-G-T.
Other names: c.2255+35C>A (NM_020745.3).
Identifiers: ClinVar variation 1185350 (VCV001185350.8), dbSNP rs325002, ClinGen allele CA3834053.
Genomic context (GRCh38, chr6:44,303,031, plus strand): 5'-CGTGCATCTCCCATTAAGGGCTGATGGCTCCAAAGACCAAGGGAAGGGCAAGGATCCGGG[G>T]CCCCTGGGCCAGGCAGCACAAAGGAGTGACTCACGTCCCACAGCATAGCTCCACAGAGGT-3'